The following is an entry in ClinVar:

ClinVar aggregate classification (germline): Uncertain significance (1 of 4 stars; one submission).

Submission:

Labcorp Genetics (formerly Invitae), Labcorp
Classification: Uncertain significance. Last evaluated: 2024-03-02. Review status: criteria provided, single submitter. Criteria: Invitae Variant Classification Sherloc (09022015). Collection method: clinical testing. Allele origin: germline.
Comment: This sequence change replaces glycine, which is neutral and non-polar, with serine, which is neutral and polar, at codon 201 of the DRAM2 protein (p.Gly201Ser). This variant is not present in population databases (gnomAD no frequency). This missense change has been observed in individual(s) with clinical features of DRAM2-related conditions (Invitae). In at least one individual the data is consistent with being in trans (on the opposite chromosome) from a pathogenic variant. An algorithm developed to predict the effect of missense changes on protein structure and function (PolyPhen-2) suggests that this variant is likely to be disruptive. In summary, the available evidence is currently insufficient to determine the role of this variant in disease. Therefore, it has been classified as a Variant of Uncertain Significance.

NM_001349884.2(DRAM2):c.601G>A (p.Gly201Ser)

Gene: DRAM2 (DNA damage regulated autophagy modulator 2; minus strand). Cytogenetic location: 1p13.3.
Variant type: single nucleotide variant.
Coding change: c.601G>A on transcript NM_001349884.2 (MANE Select); coding-DNA position 601, G replaced by A.
Protein change: p.Gly201Ser; replaces glycine 201 with serine.
Molecular consequence: missense variant. On other transcripts: non-coding transcript variant (8).
Genome position (GRCh38, 1-based): chr1:111,118,897, C>T on the plus strand (G>A on the coding strand, the complement: DRAM2 is on the minus strand). VCF-style: chr1-111118897-C-T. GRCh37 (hg19) VCF-style: chr1-111661519-C-T.
Other names: c.601G>A, p.Gly201Ser (NM_001349881.2, NM_001349882.2, NM_001349885.2 and 1 more transcripts); c.331G>A, p.Gly111Ser (NM_001349886.2, NM_001349887.2, NM_001349888.2); c.211G>A, p.Gly71Ser (NM_001349889.2, NM_001349890.2, NM_001349891.2 and 2 more transcripts); short protein forms G111S, G71S, G201S.
Identifiers: ClinVar variation 3644221 (VCV003644221.2).